The following is an entry in ClinVar:

ClinVar aggregate classification (germline): Uncertain significance. Review status: criteria provided, multiple submitters, no conflicts (2 of 4 stars). 2 submissions from 2 submitters: Uncertain significance (2). Last evaluated 2023-11-03.

Conditions:
Amyotrophic lateral sclerosis type 1 (ALS1). Also called: AMYOTROPHIC LATERAL SCLEROSIS 1, FAMILIAL. Identifiers: Orphanet 803, MedGen C1862939, MONDO:0007103, OMIM 105400.
Neuronopathy, distal hereditary motor, type 7B. Also called: NEURONOPATHY, DISTAL HEREDITARY MOTOR, AUTOSOMAL DOMINANT 14; NEURONOPATHY, DISTAL HEREDITARY MOTOR, HARDING TYPE VIIB; NEUROPATHY, DISTAL HEREDITARY MOTOR, HARDING TYPE VIIB; NEUROPATHY, DISTAL HEREDITARY MOTOR, WITH VOCAL CORD PARALYSIS, HARDING TYPE VIIB; Distal Hereditary Motor Neuronopathy Type 7B (dHMN7B); HMN VIIB. Identifiers: Orphanet 139589, MedGen C1843315, MONDO:0011879, OMIM 607641.
Perry syndrome. Also called: PARKINSONISM WITH ALVEOLAR HYPOVENTILATION AND MENTAL DEPRESSION. Identifiers: Orphanet 178509, MedGen C1868594, MONDO:0008201, OMIM 168605.
Inborn genetic diseases. Identifiers: MedGen C0950123, MeSH D030342.

Allele frequency attached by ClinVar (database versions not stated): gnomAD exomes below 0.00001; TOPMed below 0.00001.
gnomAD v4.1: 1 of 1,614,240 alleles (0.000062%); highest among the groups gnomAD compares: African/African-American, 0.0013%; no homozygotes.

Submissions (2):

Ambry Genetics
Classification: Uncertain significance for Inborn genetic diseases. Last evaluated: 2023-11-03. Review status: criteria provided, single submitter. Criteria: Ambry Variant Classification Scheme 2023. Collection method: clinical testing. Allele origin: germline.

Labcorp Genetics (formerly Invitae), Labcorp
Classification: Uncertain significance for Amyotrophic lateral sclerosis type 1; Neuronopathy, distal hereditary motor, type 7B; Perry syndrome. Last evaluated: 2022-02-17. Review status: criteria provided, single submitter. Criteria: Invitae Variant Classification Sherloc (09022015). Collection method: clinical testing. Allele origin: germline.
Comment: In summary, the available evidence is currently insufficient to determine the role of this variant in disease. Therefore, it has been classified as a Variant of Uncertain Significance. Algorithms developed to predict the effect of missense changes on protein structure and function (SIFT, PolyPhen-2, Align-GVGD) all suggest that this variant is likely to be disruptive. This variant has not been reported in the literature in individuals affected with DCTN1-related conditions. This variant is not present in population databases (gnomAD no frequency). This sequence change replaces isoleucine, which is neutral and non-polar, with threonine, which is neutral and polar, at codon 569 of the DCTN1 protein (p.Ile569Thr).

NM_004082.5(DCTN1):c.1706T>C (p.Ile569Thr)

Gene: DCTN1 (dynactin subunit 1; minus strand). Cytogenetic location: 2p13.1.
Variant type: single nucleotide variant.
Coding change: c.1706T>C on transcript NM_004082.5 (MANE Select); coding-DNA position 1706, T replaced by C.
Protein change: p.Ile569Thr; replaces isoleucine 569 with threonine.
Molecular consequence: missense variant. On other transcripts: non-coding transcript variant (1).
Genome position (GRCh38, 1-based): chr2:74,368,876, A>G on the plus strand (T>C on the coding strand, the complement: DCTN1 is on the minus strand). VCF-style: chr2-74368876-A-G. GRCh37 (hg19) VCF-style: chr2-74596003-A-G.
Other names: c.1646T>C, p.Ile549Thr (NM_001135040.3); c.1304T>C, p.Ile435Thr (NM_001135041.3, NM_023019.4); c.1595T>C, p.Ile532Thr (NM_001190836.2); c.1685T>C, p.Ile562Thr (NM_001190837.2); c.1655T>C, p.Ile552Thr (NM_001378991.1); c.1637T>C, p.Ile546Thr (NM_001378992.1); short protein forms I552T, I562T, I546T, I435T, I532T, I549T, I569T.
Identifiers: ClinVar variation 2095756 (VCV002095756.5), dbSNP rs1553464828, ClinGen allele CA347356287.